The following is an entry in ClinVar:

ClinVar aggregate classification (germline): Uncertain significance. Review status: criteria provided, multiple submitters, no conflicts (2 of 4 stars). 2 submissions from 2 submitters: Uncertain significance (2). Last evaluated 2025-08-12.

Conditions:
Cardiovascular phenotype. Identifiers: MedGen CN230736.
Cholestanol storage disease (CTX). Also called: Cerebrotendinous Xanthomatosis; CTX: Cerebrotendinous xanthomatosis; CEREBRAL CHOLESTERINOSIS. Identifiers: Orphanet 909, MedGen C0238052, MONDO:0008948, OMIM 213700.

Allele frequency attached by ClinVar (database versions not stated): gnomAD exomes below 0.00001; ExAC 0.00001.
gnomAD v4.1: 2 of 1,614,206 alleles (0.00012%); highest among the groups gnomAD compares: East Asian, 0.0022%; no homozygotes.

Submissions (2):

Ambry Genetics
Classification: Uncertain significance for Cardiovascular phenotype. Last evaluated: 2025-08-12. Review status: criteria provided, single submitter. Criteria: Ambry Variant Classification Scheme 2023. Collection method: clinical testing. Allele origin: germline.
Comment: The p.H428Y variant (also known as c.1282C>T), located in coding exon 8 of the CYP27A1 gene, results from a C to T substitution at nucleotide position 1282. The histidine at codon 428 is replaced by tyrosine, an amino acid with similar properties. This amino acid position is conserved. In addition, this alteration is predicted to be deleterious by in silico analysis. Since supporting evidence is limited at this time, the clinical significance of this alteration remains unclear.

Labcorp Genetics (formerly Invitae), Labcorp
Classification: Uncertain significance for Cholestanol storage disease. Last evaluated: 2021-10-14. Review status: criteria provided, single submitter. Criteria: Invitae Variant Classification Sherloc (09022015). Collection method: clinical testing. Allele origin: germline.
Comment: This sequence change replaces histidine with tyrosine at codon 428 of the CYP27A1 protein (p.His428Tyr). The histidine residue is highly conserved and there is a moderate physicochemical difference between histidine and tyrosine. This variant is present in population databases (rs749202662, ExAC 0.002%). This variant has not been reported in the literature in individuals affected with CYP27A1-related conditions. Advanced modeling of protein sequence and biophysical properties (such as structural, functional, and spatial information, amino acid conservation, physicochemical variation, residue mobility, and thermodynamic stability) performed at Invitae indicates that this missense variant is expected to disrupt CYP27A1 protein function. In summary, the available evidence is currently insufficient to determine the role of this variant in disease. Therefore, it has been classified as a Variant of Uncertain Significance.

NM_000784.4(CYP27A1):c.1282C>T (p.His428Tyr)

Gene: CYP27A1 (cytochrome P450 family 27 subfamily A member 1; plus strand). Cytogenetic location: 2q35.
Variant type: single nucleotide variant.
Coding change: c.1282C>T on transcript NM_000784.4 (MANE Select); coding-DNA position 1282, C replaced by T.
Protein change: p.His428Tyr; replaces histidine 428 with tyrosine.
Molecular consequence: missense variant.
Genome position (GRCh38, 1-based): chr2:218,814,563, C>T. VCF-style: chr2-218814563-C-T. GRCh37 (hg19) VCF-style: chr2-219679286-C-T.
Other names: short protein forms H428Y.
Identifiers: ClinVar variation 1499329 (VCV001499329.8), dbSNP rs749202662, ClinGen allele CA2112866.